The following is an entry in ClinVar:

NM_001843.4(CNTN1):c.1631G>T (p.Gly544Val)

Gene: CNTN1 (contactin 1; plus strand). Cytogenetic location: 12q12.
Variant type: single nucleotide variant.
Coding change: c.1631G>T on transcript NM_001843.4 (MANE Select); coding-DNA position 1631, G replaced by T.
Protein change: p.Gly544Val; replaces glycine 544 with valine.
Molecular consequence: missense variant.
Genome position (GRCh38, 1-based): chr12:40,944,118, G>T. VCF-style: chr12-40944118-G-T. GRCh37 (hg19) VCF-style: chr12-41337920-G-T.
Other names: c.1631G>T, p.Gly544Val (NM_001256063.2, NM_001256064.2); c.1598G>T, p.Gly533Val (NM_175038.2); short protein forms G533V, G544V.
Identifiers: ClinVar variation 1713635 (VCV001713635.4), dbSNP rs773805932, ClinGen allele CA384425061.

ClinVar aggregate classification (germline): Uncertain significance (1 of 4 stars; one submission).

Conditions:
Compton-North congenital myopathy (CMYO12). Identifiers: Orphanet 210163, MedGen C2675527, MONDO:0012929, OMIM 612540.

Submission:

Labcorp Genetics (formerly Invitae), Labcorp
Classification: Uncertain significance for Compton-North congenital myopathy. Last evaluated: 2022-07-23. Review status: criteria provided, single submitter. Criteria: Invitae Variant Classification Sherloc (09022015). Collection method: clinical testing. Allele origin: germline.
Comment: In summary, the available evidence is currently insufficient to determine the role of this variant in disease. Therefore, it has been classified as a Variant of Uncertain Significance. Advanced modeling of protein sequence and biophysical properties (such as structural, functional, and spatial information, amino acid conservation, physicochemical variation, residue mobility, and thermodynamic stability) performed at Invitae indicates that this missense variant is not expected to disrupt CNTN1 protein function. This variant has not been reported in the literature in individuals affected with CNTN1-related conditions. This variant is not present in population databases (gnomAD no frequency). This sequence change replaces glycine, which is neutral and non-polar, with valine, which is neutral and non-polar, at codon 544 of the CNTN1 protein (p.Gly544Val).